The following is an entry in ClinVar:

ClinVar aggregate classification (germline): Uncertain significance. Review status: criteria provided, single submitter (1 of 4 stars). 2 submissions from 2 submitters: Uncertain significance (1). 1 of the submissions does not count toward it. Last evaluated 2021-08-30.

Conditions:
Neuromuscular disease caused by qualitative or quantitative defects of dysferlin. Also called: Dysferlinopathy; Qualitative or quantitative defects of dysferlin. Identifiers: Orphanet 207073, MedGen C2931687, MONDO:0016145.
Autosomal recessive limb-girdle muscular dystrophy type 2B (LGMDR2). Also called: Limb-girdle muscular dystrophy, type 2B; MUSCULAR DYSTROPHY, LIMB-GIRDLE, TYPE 3; Limb-Girdle Muscular Dystrophy Type 2B (LGMD2B); MUSCULAR DYSTROPHY, LIMB-GIRDLE, AUTOSOMAL RECESSIVE 2. Identifiers: Orphanet 268, MedGen C1850889, MONDO:0009676, OMIM 253601.

Allele frequency attached by ClinVar (database versions not stated): gnomAD exomes 0.00001 and 0.00002; TOPMed 0.00001; ExAC 0.00002.
gnomAD v4.1: 17 of 1,614,124 alleles (0.0011%); highest among the groups gnomAD compares: South Asian, 0.0022%; no homozygotes.

Submissions (2):

Labcorp Genetics (formerly Invitae), Labcorp
Classification: Uncertain significance for Neuromuscular disease caused by qualitative or quantitative defects of dysferlin. Last evaluated: 2021-08-30. Review status: criteria provided, single submitter. Criteria: Invitae Variant Classification Sherloc (09022015). Collection method: clinical testing. Allele origin: germline.
Comment: This sequence change affects codon 1282 of the DYSF mRNA. It is a 'silent' change, meaning that it does not change the encoded amino acid sequence of the DYSF protein. This variant is present in population databases (rs772742658, ExAC 0.004%). This variant has not been reported in the literature in individuals affected with DYSF-related conditions. Algorithms developed to predict the effect of sequence changes on RNA splicing suggest that this variant may create or strengthen a splice site. In summary, the available evidence is currently insufficient to determine the role of this variant in disease. Therefore, it has been classified as a Variant of Uncertain Significance.

Natera, Inc.
Classification: Uncertain significance for Limb-girdle muscular dystrophy type 2B. Last evaluated: 2019-10-28. Review status: no assertion criteria provided. Collection method: clinical testing. Allele origin: germline. Not counted in ClinVar's aggregate classification.

NM_001130987.2(DYSF):c.3900G>A (p.Pro1300=)

Gene: DYSF (dysferlin; plus strand). Cytogenetic location: 2p13.2.
Variant type: single nucleotide variant.
Coding change: c.3900G>A on transcript NM_001130987.2 (MANE Select); coding-DNA position 3900, G replaced by A.
Protein change: p.Pro1300=; no amino-acid change (proline 1300 retained).
Molecular consequence: synonymous variant.
Genome position (GRCh38, 1-based): chr2:71,601,501, G>A. VCF-style: chr2-71601501-G-A. GRCh37 (hg19) VCF-style: chr2-71828631-G-A.
Other names: c.3849G>A, p.Pro1283= (NM_001130455.2, NM_001130983.2); c.3804G>A, p.Pro1268= (NM_001130976.2, NM_001130977.2); c.3846G>A, p.Pro1282= (NM_001130978.2, NM_003494.4); c.3939G>A, p.Pro1313= (NM_001130979.2); c.3897G>A, p.Pro1299= (NM_001130980.2, NM_001130981.2); c.3942G>A, p.Pro1314= (NM_001130982.2); c.3807G>A, p.Pro1269= (NM_001130984.2, NM_001130986.2); c.3900G>A, p.Pro1300= (NM_001130985.2).
Identifiers: ClinVar variation 538641 (VCV000538641.9), dbSNP rs772742658, ClinGen allele CA1706774.